The following is an entry in ClinVar:

ClinVar aggregate classification (germline): Uncertain significance (1 of 4 stars; one submission).

gnomAD v4.1: 4 of 1,613,848 alleles (0.00025%); highest among the groups gnomAD compares: Non-Finnish European, 0.00034%; no homozygotes.

Submission:

Ambry Genetics
Classification: Uncertain significance. Last evaluated: 2026-03-15. Review status: criteria provided, single submitter. Criteria: Ambry Variant Classification Scheme 2023. Collection method: clinical testing. Allele origin: germline.
Comment: The p.K7Q variant (also known as c.19A>C), located in coding exon 1 of the RAD51B gene, results from an A to C substitution at nucleotide position 19. The lysine at codon 7 is replaced by glutamine, an amino acid with similar properties. This amino acid position is conserved. In addition, this alteration is predicted to be tolerated by in silico analysis. Based on the available evidence, the clinical significance of this variant remains unclear.

NM_133510.4(RAD51B):c.19A>C (p.Lys7Gln)

Gene: RAD51B (RAD51 paralog B; plus strand). Cytogenetic location: 14q24.1.
Variant type: single nucleotide variant.
Coding change: c.19A>C on transcript NM_133510.4 (MANE Select); coding-DNA position 19, A replaced by C.
Protein change: p.Lys7Gln; replaces lysine 7 with glutamine.
Molecular consequence: missense variant. On other transcripts: 5 prime UTR variant (1).
Genome position (GRCh38, 1-based): chr14:67,823,562, A>C. VCF-style: chr14-67823562-A-C. GRCh37 (hg19) VCF-style: chr14-68290279-A-C.
Other names: c.19A>C, p.Lys7Gln (NM_001321809.2, NM_001321810.2, NM_001321812.1 and 6 more transcripts); c.-437A>C (NM_001321817.2); short protein forms K7Q.
Identifiers: ClinVar variation 3429685 (VCV003429685.2).